The following is an entry in ClinVar:

NM_000394.4(CRYAA):c.35G>A (p.Arg12His)

Gene: CRYAA (crystallin alpha A; plus strand). Cytogenetic location: 21q22.3.
Variant type: single nucleotide variant.
Coding change: c.35G>A on transcript NM_000394.4 (MANE Select); coding-DNA position 35, G replaced by A.
Protein change: p.Arg12His; replaces arginine 12 with histidine.
Molecular consequence: missense variant.
Genome position (GRCh38, 1-based): chr21:43,169,134, G>A. VCF-style: chr21-43169134-G-A. GRCh37 (hg19) VCF-style: chr21-44589244-G-A.
Other names: short protein forms R12H.
Identifiers: ClinVar variation 1372044 (VCV001372044.6), dbSNP rs776884812, ClinGen allele CA321167355.

ClinVar aggregate classification (germline): Uncertain significance (1 of 4 stars; one submission).

Conditions:
Cataract 9 multiple types. Also called: Cataract 9, multiple types, with or without microcornea; Cataract, autosomal recessive congenital 1. Identifiers: Orphanet 1377, MedGen C1858679, MONDO:0011413, OMIM 604219.

Allele frequency attached by ClinVar (database versions not stated): gnomAD exomes below 0.00001 and 0.00001; ExAC 0.00001.

Submission:

Labcorp Genetics (formerly Invitae), Labcorp
Classification: Uncertain significance for Cataract 9 multiple types. Last evaluated: 2022-06-27. Review status: criteria provided, single submitter. Criteria: Invitae Variant Classification Sherloc (09022015). Collection method: clinical testing. Allele origin: germline.
Comment: In summary, the available evidence is currently insufficient to determine the role of this variant in disease. Therefore, it has been classified as a Variant of Uncertain Significance. This variant disrupts the p.Arg12 amino acid residue in CRYAA. Other variant(s) that disrupt this residue have been determined to be pathogenic (PMID: 17724170, 19503744, 22045060, 23508780). This suggests that this residue is clinically significant, and that variants that disrupt this residue are likely to be disease-causing. Algorithms developed to predict the effect of missense changes on protein structure and function are either unavailable or do not agree on the potential impact of this missense change (SIFT: "Deleterious"; PolyPhen-2: "Benign"; Align-GVGD: "Class C25"). This variant has not been reported in the literature in individuals affected with CRYAA-related conditions. The frequency data for this variant in the population databases is considered unreliable, as metrics indicate poor data quality at this position in the gnomAD database. This sequence change replaces arginine, which is basic and polar, with histidine, which is basic and polar, at codon 12 of the CRYAA protein (p.Arg12His).

Literature cited by the submitters: PubMed 17724170; PubMed 19503744; PubMed 22045060; PubMed 23508780.